The following is an entry in ClinVar:

NM_004525.3(LRP2):c.3667+1G>C

Gene: LRP2 (LDL receptor related protein 2; minus strand). Cytogenetic location: 2q31.1.
Variant type: single nucleotide variant.
Coding change: c.3667+1G>C on transcript NM_004525.3 (MANE Select); the canonical splice donor site of the intron after coding-DNA position 3667, G replaced by C.
Molecular consequence: splice donor variant.
Genome position (GRCh38, 1-based): chr2:169,242,955, C>G on the plus strand (G>C on the coding strand, the complement: LRP2 is on the minus strand). VCF-style: chr2-169242955-C-G. GRCh37 (hg19) VCF-style: chr2-170099465-C-G.
Identifiers: ClinVar variation 2878313 (VCV002878313.3), dbSNP rs752197557, ClinGen allele CA349149740.

ClinVar aggregate classification (germline): Likely pathogenic (1 of 4 stars; one submission).

Submission:

Labcorp Genetics (formerly Invitae), Labcorp
Classification: Likely pathogenic. Last evaluated: 2023-03-08. Review status: criteria provided, single submitter. Criteria: Invitae Variant Classification Sherloc (09022015). Collection method: clinical testing. Allele origin: germline.
Comment: In summary, the currently available evidence indicates that the variant is pathogenic, but additional data are needed to prove that conclusively. Therefore, this variant has been classified as Likely Pathogenic. Algorithms developed to predict the effect of sequence changes on RNA splicing suggest that this variant may disrupt the consensus splice site. Disruption of this splice site has been observed in individual(s) with congenital diaphragmatic hernia (PMID: 33461977). This variant is not present in population databases (gnomAD no frequency). This sequence change affects a donor splice site in intron 24 of the LRP2 gene. It is expected to disrupt RNA splicing. Variants that disrupt the donor or acceptor splice site typically lead to a loss of protein function (PMID: 16199547), and loss-of-function variants in LRP2 are known to be pathogenic (PMID: 17632512, 25682901).

Literature cited by the submitters: PubMed 33461977; PubMed 16199547; PubMed 17632512; PubMed 25682901.